The following is an entry in ClinVar:

ClinVar aggregate classification (germline): Likely pathogenic (1 of 4 stars; one submission).

Conditions:
CDK13-related disorder. Also called: CDK13-related condition. Identifiers: MedGen C5816700.

Submission:

PreventionGenetics, part of Exact Sciences
Classification: Likely pathogenic for CDK13-related condition. Last evaluated: 2026-09-19. Review status: criteria provided, single submitter. Criteria: ACMG Guidelines, 2015. Collection method: clinical testing. Allele origin: germline.
Comment: The CDK13 c.353_354dupGT variant is predicted to result in a frameshift and premature protein termination (p.Arg119Valfs*23). To our knowledge, this variant has not been reported in the literature or in a large population database (gnomAD), indicating this variant is rare. Frameshift variants in CDK13 are expected to be pathogenic. This variant is interpreted as likely pathogenic.

NM_003718.5(CDK13):c.353_354dup (p.Arg119fs)

Genes: CDK13 (cyclin dependent kinase 13; plus strand), LOC129998292 (ATAC-STARR-seq lymphoblastoid silent region 18115; plus strand). Cytogenetic location: 7p14.1.
Variant type: Duplication.
Coding change: c.353_354dup on transcript NM_003718.5 (MANE Select); coding-DNA positions 353 to 354, 2 bases duplicated (GT; older notation c.353_354dupGT).
Protein change: p.Arg119fs; shifts the reading frame from arginine 119.
Molecular consequence: frameshift variant.
Genome position (GRCh38, 1-based): chr7:39,950,994-39,950,995, GT duplicated. VCF-style (leftmost placement, unchanged base first): chr7-39950993-C-CGT. GRCh37 (hg19) VCF-style: chr7-39990592-C-CGT.
Other names: c.353_354dup, p.Arg119Valfs (NM_031267.4); short protein forms R119fs.
Identifiers: ClinVar variation 4993488 (VCV004993488.1).